The following is an entry in ClinVar:

NM_001089.3(ABCA3):c.4195G>A (p.Val1399Met)

Gene: ABCA3 (ATP binding cassette subfamily A member 3; minus strand). Cytogenetic location: 16p13.3.
Variant type: single nucleotide variant.
Coding change: c.4195G>A on transcript NM_001089.3 (MANE Select); coding-DNA position 4195, G replaced by A.
Protein change: p.Val1399Met; replaces valine 1399 with methionine.
Molecular consequence: missense variant.
Genome position (GRCh38, 1-based): chr16:2,281,191, C>T on the plus strand (G>A on the coding strand, the complement: ABCA3 is on the minus strand). VCF-style: chr16-2281191-C-T. GRCh37 (hg19) VCF-style: chr16-2331192-C-T.
Other names: short protein forms V1399M.
Identifiers: ClinVar variation 1738591 (VCV001738591.8), dbSNP rs763166660, ClinGen allele CA7840206.
Genomic context (GRCh38, chr16:2,281,191, plus strand): 5'-CATTGAAGCCCAGCAGGCCGAAGCACTCCCCTTTCTGCACCGCGAGGGAGAGCCTGTCCA[C>T]GGCCAGGAGGGGCACCCGCTGCTCGTACACCTGCAGGCACCCAACAGAAAACACGGAATG-3'
Protein context (NP_001080.2, residues 1389-1409): VYEQRVPLLA[Val1399Met]DRLSLAVQKG

ClinVar aggregate classification (germline): Pathogenic. Review status: criteria provided, multiple submitters, no conflicts (2 of 4 stars). 4 submissions from 4 submitters: Pathogenic (4). Last evaluated 2025-10-22.

Conditions:
Interstitial lung disease due to ABCA3 deficiency. Also called: PULMONARY ALVEOLAR PROTEINOSIS, CONGENITAL, 3. Identifiers: Orphanet 440402, MedGen C1970456, MONDO:0012582, OMIM 610921.
Hereditary pulmonary alveolar proteinosis. Also called: Pulmonary surfactant metabolism dysfunction. Identifiers: Orphanet 264675, MedGen C3711368, MONDO:0012580.

Allele frequency attached by ClinVar (database versions not stated): ExAC 0.00001; gnomAD exomes 0.00001; gnomAD 0.00003; TOPMed 0.00003.
gnomAD v4.1: 13 of 1,613,490 alleles (0.00081%); highest among the groups gnomAD compares: African/African-American, 0.0027%; no homozygotes.

Submissions (4):

Labcorp Genetics (formerly Invitae), Labcorp
Classification: Pathogenic. Last evaluated: 2025-10-22. Review status: criteria provided, single submitter. Criteria: Invitae Variant Classification Sherloc (09022015). Collection method: clinical testing. Allele origin: germline.
Comment: This sequence change replaces valine, which is neutral and non-polar, with methionine, which is neutral and non-polar, at codon 1399 of the ABCA3 protein (p.Val1399Met). This variant is present in population databases (rs763166660, gnomAD 0.007%). This missense change has been observed in individual(s) with childhood interstitial lung disease (PMID: 17429902, 24871971, 25712598). In at least one individual the data is consistent with being in trans (on the opposite chromosome) from a pathogenic variant. ClinVar contains an entry for this variant (Variation ID: 1738591). Invitae Evidence Modeling of protein sequence and biophysical properties (such as structural, functional, and spatial information, amino acid conservation, physicochemical variation, residue mobility, and thermodynamic stability) indicates that this missense variant is expected to disrupt ABCA3 protein function with a positive predictive value of 80%. Experimental studies have shown that this missense change affects ABCA3 function (PMID: 32196812). For these reasons, this variant has been classified as Pathogenic.

Fulgent Genetics
Classification: Pathogenic for Interstitial lung disease due to ABCA3 deficiency. Last evaluated: 2024-01-30. Review status: criteria provided, single submitter. Criteria: ACMG Guidelines, 2015. Collection method: clinical testing. Allele origin: germline.

Women's Health and Genetics/Laboratory Corporation of America, LabCorp
Classification: Pathogenic for Interstitial lung disease due to ABCA3 deficiency. Last evaluated: 2023-07-10. Review status: criteria provided, single submitter. Criteria: LabCorp Variant Classification Summary - May 2015. Collection method: clinical testing. Allele origin: germline.
Comment: Variant summary: ABCA3 c.4195G>A (p.Val1399Met) results in a conservative amino acid change located in the ABC transporter-like, ATP-binding domain (IPR003439) of the encoded protein sequence. Four of five in-silico tools predict a damaging effect of the variant on protein function. The variant allele was found at a frequency of 8e-06 in 250918 control chromosomes. c.4195G>A has been reported in the literature in multiple compound heterozygous and homozygous individuals affected with Pulmonary surfactant metabolism dysfunction (examples: Saugstad_2006, Jackson_2015, Kroner_2017, Alsamri_2021). These data indicate that the variant is very likely to be associated with disease. At least one publication reports in-vitro experimental evidence evaluating an impact on protein function, with cells carrying the variant displaying reduced ATPase activity and smaller mean vesicle diameters consistent with categorization as a type II mutant (40% of WT) (example: Hu_2020). The following publications have been ascertained in the context of this evaluation (PMID: 33526882, 32196812, 25712598, 27516224, 17429902). One submitter has cited clinical-significance assessments for this variant to ClinVar after 2014 and has classified the variant as pathogenic. Based on the evidence outlined above, the variant was classified as pathogenic.

Ambry Genetics
Classification: Pathogenic for Hereditary pulmonary alveolar proteinosis. Last evaluated: 2016-11-14. Review status: criteria provided, single submitter. Criteria: Ambry Variant Classification Scheme 2023. Collection method: clinical testing. Allele origin: germline.
Comment: The p.V1399M pathogenic mutation (also known as c.4195G>A), located in coding exon 25 of the ABCA3 gene, results from a G to A substitution at nucleotide position 4195. The valine at codon 1399 is replaced by methionine, an amino acid with highly similar properties. In an additional report, a full term infant with respiratory distress beginning immediately after birth was identified as heterozygous for this mutation, with two additional disease causing alterations on the opposite chromosome (in trans) (Jackson T et al. J Perinatol, 2015 Mar;35:231-2). Based on the supporting evidence, this alteration is interpreted as a disease-causing mutation.

Literature cited by the submitters: PubMed 17429902 (cited by 3 submitters); PubMed 24871971 (cited by Labcorp Genetics (formerly Invitae), Labcorp); PubMed 25712598 (cited by 3 submitters); PubMed 32196812 (cited by Labcorp Genetics (formerly Invitae), Labcorp and Women's Health and Genetics/Laboratory Corporation of America, LabCorp); PubMed 27516224 (cited by Women's Health and Genetics/Laboratory Corporation of America, LabCorp); PubMed 33526882 (cited by Women's Health and Genetics/Laboratory Corporation of America, LabCorp).